The following is an entry in ClinVar:

NM_000142.5(FGFR3):c.931-123G>A

Gene: FGFR3 (fibroblast growth factor receptor 3; plus strand). Cytogenetic location: 4p16.3.
Variant type: single nucleotide variant.
Coding change: c.931-123G>A on transcript NM_000142.5 (MANE Select); 123 bases into the intron before coding-DNA position 931, G replaced by A.
Molecular consequence: intron variant.
Genome position (GRCh38, 1-based): chr4:1,803,569, G>A. VCF-style: chr4-1803569-G-A. GRCh37 (hg19) VCF-style: chr4-1805296-G-A.
Other names: c.1081+505G>A (NM_001163213.2); c.931-123G>A (NM_001354809.2, NM_001354810.2); c.931-1255G>A (NM_022965.4).
Identifiers: ClinVar variation 680177 (VCV000680177.2), dbSNP rs3135883, ClinGen allele CA11887137.

ClinVar aggregate classification (germline): Benign. Review status: criteria provided, multiple submitters, no conflicts (2 of 4 stars). 2 submissions from 2 submitters: Benign (2). Last evaluated 2018-06-14.

Allele frequency attached by ClinVar (database versions not stated): TOPMed 0.91596; gnomAD 0.91705 and 0.92151; 1000 Genomes Project 30x 0.92349; 1000 Genomes Project 0.92492.
gnomAD v4.1: 1,440,784 of 1,492,104 alleles (97%); highest among the groups gnomAD compares: East Asian, 100%; 696,981 homozygotes.

Submissions (2):

GeneDx
Classification: Benign. Last evaluated: 2018-06-14. Review status: criteria provided, single submitter. Criteria: GeneDx Variant Classification (06012015). Collection method: clinical testing. Allele origin: germline. Affected: yes.
Comment: This variant is considered likely benign or benign based on one or more of the following criteria: it is a conservative change, it occurs at a poorly conserved position in the protein, it is predicted to be benign by multiple in silico algorithms, and/or has population frequency not consistent with disease.

Breakthrough Genomics
Classification: Benign. Review status: criteria provided, single submitter. Criteria: ACMG Guidelines, 2015. Collection method: not provided. Allele origin: germline. Inheritance: Autosomal dominant inheritance. Affected: yes.